The following is an entry in ClinVar:

ClinVar aggregate classification (germline): Uncertain significance (1 of 4 stars; one submission).

Conditions:
Hereditary cancer-predisposing syndrome. Also called: Neoplastic Syndromes, Hereditary; Tumor predisposition; Hereditary neoplastic syndrome; Hereditary Cancer Syndrome. Identifiers: Orphanet 140162, MedGen C0027672, MeSH D009386, MONDO:0015356.

Allele frequency attached by ClinVar (database versions not stated): gnomAD exomes below 0.00001.
gnomAD v4.1: 1 of 1,614,208 alleles (0.000062%); highest among the groups gnomAD compares: Non-Finnish European, 0.000085%; no homozygotes.

Submission:

Ambry Genetics
Classification: Uncertain significance for Hereditary cancer-predisposing syndrome. Last evaluated: 2023-12-13. Review status: criteria provided, single submitter. Criteria: Ambry Variant Classification Scheme 2023. Collection method: clinical testing. Allele origin: germline.
Comment: The p.V1326M variant (also known as c.3976G>A), located in coding exon 15 of the APC gene, results from a G to A substitution at nucleotide position 3976. The valine at codon 1326 is replaced by methionine, an amino acid with highly similar properties. This amino acid position is not well conserved in available vertebrate species. In addition, in silico predictors for this gene do not accurately predict pathogenicity. Since supporting evidence is limited at this time, the clinical significance of this alteration remains unclear.

NM_000038.6(APC):c.3976G>A (p.Val1326Met)

Gene: APC (APC regulator of Wnt signaling pathway; plus strand). Cytogenetic location: 5q22.2.
Variant type: single nucleotide variant.
Coding change: c.3976G>A on transcript NM_000038.6 (MANE Select); coding-DNA position 3976, G replaced by A.
Protein change: p.Val1326Met; replaces valine 1326 with methionine.
Molecular consequence: missense variant. On other transcripts: non-coding transcript variant (2).
Genome position (GRCh38, 1-based): chr5:112,839,570, G>A. VCF-style: chr5-112839570-G-A. GRCh37 (hg19) VCF-style: chr5-112175267-G-A.
Other names: c.3976G>A, p.Val1326Met (NM_001127510.3, NM_001354895.2, NM_001407450.1); c.3922G>A, p.Val1308Met (NM_001127511.3); c.4030G>A, p.Val1344Met (NM_001354896.2, NM_001407447.1, NM_001407448.1 and 1 more transcripts); c.4006G>A, p.Val1336Met (NM_001354897.2); c.3901G>A, p.Val1301Met (NM_001354898.2); c.3892G>A, p.Val1298Met (NM_001354899.2); c.3853G>A, p.Val1285Met (NM_001354900.2); c.3799G>A, p.Val1267Met (NM_001354901.2, NM_001407453.1); and 11 more; short protein forms V1043M, V1166M, V1197M, V1200M, V1225M, V1235M, V1243M, V1267M.
Identifiers: ClinVar variation 3230371 (VCV003230371.1), dbSNP rs1580642399, ClinGen allele CA16030049.